The following is an entry in ClinVar:

ClinVar aggregate classification (germline): Likely benign (1 of 4 stars; one submission).

Allele frequency attached by ClinVar (database versions not stated): gnomAD exomes 0.00024; gnomAD 0.00034; TOPMed 0.00055; ExAC 0.00061; 1000 Genomes Project 30x 0.00187; 1000 Genomes Project 0.00200.
gnomAD v4.1: 422 of 1,609,802 alleles (0.026%); highest among the groups gnomAD compares: East Asian, 0.66%; 1 homozygote.

Submission:

CeGaT Center for Human Genetics Tuebingen
Classification: Likely benign. Last evaluated: 2024-03-01. Review status: criteria provided, single submitter. Criteria: CeGaT Center For Human Genetics Tuebingen Variant Classification Criteria Version 2. Collection method: clinical testing. Allele origin: germline. Affected: yes. Observed: 1 variant allele.
Comment: GDAP2: BS2

NM_017686.4(GDAP2):c.704C>T (p.Pro235Leu)

Gene: GDAP2 (ganglioside induced differentiation associated protein 2; minus strand). Cytogenetic location: 1p12.
Variant type: single nucleotide variant.
Coding change: c.704C>T on transcript NM_017686.4 (MANE Select); coding-DNA position 704, C replaced by T.
Protein change: p.Pro235Leu; replaces proline 235 with leucine.
Molecular consequence: missense variant.
Genome position (GRCh38, 1-based): chr1:117,899,149, G>A on the plus strand (C>T on the coding strand, the complement: GDAP2 is on the minus strand). VCF-style: chr1-117899149-G-A. GRCh37 (hg19) VCF-style: chr1-118441771-G-A.
Other names: c.704C>T, p.Pro235Leu (NM_001135589.3); short protein forms P235L.
Identifiers: ClinVar variation 3234416 (VCV003234416.20), dbSNP rs77073478, ClinGen allele CA1031564.